The following is an entry in ClinVar:

ClinVar aggregate classification (germline): Uncertain significance (1 of 4 stars; one submission).

Conditions:
Retinoblastoma (RB1). Also called: RETINOBLASTOMA, SOMATIC. Identifiers: Orphanet 790, MedGen C0035335, MeSH D012175, MONDO:0008380, OMIM 180200, HP:0009919. Disease mechanism: loss of function. Inheritance: Both sporadic and heritable forms are tested..

Submission:

Labcorp Genetics (formerly Invitae), Labcorp
Classification: Uncertain significance for Retinoblastoma. Last evaluated: 2025-11-22. Review status: criteria provided, single submitter. Criteria: Invitae Variant Classification Sherloc (09022015). Collection method: clinical testing. Allele origin: germline.
Comment: This sequence change replaces glutamic acid, which is acidic and polar, with valine, which is neutral and non-polar, at codon 30 of the RB1 protein (p.Glu30Val). This variant is not present in population databases (gnomAD no frequency). This variant has not been reported in the literature in individuals affected with RB1-related conditions. Invitae Evidence Modeling of protein sequence and biophysical properties (such as structural, functional, and spatial information, amino acid conservation, physicochemical variation, residue mobility, and thermodynamic stability) has been performed for this missense variant. However, the output from this modeling did not meet the statistical confidence thresholds required to predict the impact of this variant on RB1 protein function. In summary, the available evidence is currently insufficient to determine the role of this variant in disease. Therefore, it has been classified as a Variant of Uncertain Significance.

NM_000321.3(RB1):c.89A>T (p.Glu30Val)

Gene: RB1 (RB transcriptional corepressor 1; plus strand). Cytogenetic location: 13q14.2.
Variant type: single nucleotide variant.
Coding change: c.89A>T on transcript NM_000321.3 (MANE Select); coding-DNA position 89, A replaced by T.
Protein change: p.Glu30Val; replaces glutamic acid 30 with valine.
Molecular consequence: missense variant.
Genome position (GRCh38, 1-based): chr13:48,304,001, A>T. VCF-style: chr13-48304001-A-T. GRCh37 (hg19) VCF-style: chr13-48878137-A-T.
Other names: c.89A>T, p.Glu30Val (NM_001407165.1, NM_001407166.1, NM_001407167.1); short protein forms E30V.
Identifiers: ClinVar variation 4721923 (VCV004721923.1).
Genomic context (GRCh38, chr13:48,304,001, plus strand): 5'-CCGCCACCGCCGCCGCTGCCGCCGCGGAACCCCCGGCACCGCCGCCGCCGCCCCCTCCTG[A>T]GGAGGACCCAGAGCAGGACAGCGGCCCGGAGGACCTGCCTCTCGTCAGGTGAGCGAGCAG-3'
Protein context (NP_000312.2, residues 20-40): PPAPPPPPPP[Glu30Val]EDPEQDSGPE